The following is an entry in ClinVar:

NM_000260.4(MYO7A):c.1606G>A (p.Ala536Thr)

Gene: MYO7A (myosin VIIA; plus strand). Cytogenetic location: 11q13.5.
Variant type: single nucleotide variant.
Coding change: c.1606G>A on transcript NM_000260.4 (MANE Select); coding-DNA position 1606, G replaced by A.
Protein change: p.Ala536Thr; replaces alanine 536 with threonine.
Molecular consequence: missense variant.
Genome position (GRCh38, 1-based): chr11:77,162,904, G>A. VCF-style: chr11-77162904-G-A. GRCh37 (hg19) VCF-style: chr11-76873950-G-A.
Other names: c.1606G>A, p.Ala536Thr (NM_001127180.2); c.1573G>A, p.Ala525Thr (NM_001369365.1); short protein forms A536T, A525T.
Identifiers: ClinVar variation 43154 (VCV000043154.13), dbSNP rs201046979, ClinGen allele CA132215.
Genomic context (GRCh38, chr11:77,162,904, plus strand): 5'-ACTCCCCAGGGCACAGACACCACCATGTTACACAAGCTGAACTCCCAGCACAAGCTCAAC[G>A]CCAACTACATCCCCCCCAAGAACAACCATGAGACCCAGTTTGGCATCAACCATTTTGCAG-3'
Protein context (NP_000251.3, residues 526-546): HKLNSQHKLN[Ala536Thr]NYIPPKNNHE

ClinVar aggregate classification (germline): Conflicting classifications of pathogenicity. Review status: criteria provided, conflicting classifications (1 of 4 stars). 4 submissions from 4 submitters: Uncertain significance (3); Likely benign (1). Last evaluated 2025-11-03.

Conditions:
MYO7A-related disorder. Also called: MYO7A-related disorders.

Allele frequency attached by ClinVar (database versions not stated): TOPMed 0.00002; gnomAD 0.00003; gnomAD exomes 0.00004 and 0.00007; ExAC 0.00007; ESP Exome Variant Server 0.00008.
gnomAD v4.1: 59 of 1,613,498 alleles (0.0037%); highest among the groups gnomAD compares: Admixed American, 0.023%; no homozygotes.

Submissions (4):

PreventionGenetics, part of Exact Sciences
Classification: Uncertain significance for MYO7A-related condition. Last evaluated: 2025-11-03. Review status: criteria provided, single submitter. Criteria: ACMG Guidelines, 2015. Collection method: clinical testing. Allele origin: germline.
Comment: The MYO7A c.1606G>A variant is predicted to result in the amino acid substitution p.Ala536Thr. To our knowledge, this variant has not been reported in the literature. This variant is reported in 0.026% of alleles in individuals of Latino descent in gnomAD. At this time, the clinical significance of this variant is uncertain due to the absence of conclusive functional and genetic evidence.

Labcorp Genetics (formerly Invitae), Labcorp
Classification: Uncertain significance. Last evaluated: 2024-11-27. Review status: criteria provided, single submitter. Criteria: Invitae Variant Classification Sherloc (09022015). Collection method: clinical testing. Allele origin: germline.
Comment: This sequence change replaces alanine, which is neutral and non-polar, with threonine, which is neutral and polar, at codon 536 of the MYO7A protein (p.Ala536Thr). This variant is present in population databases (rs201046979, gnomAD 0.03%). This variant has not been reported in the literature in individuals affected with MYO7A-related conditions. ClinVar contains an entry for this variant (Variation ID: 43154). Invitae Evidence Modeling of protein sequence and biophysical properties (such as structural, functional, and spatial information, amino acid conservation, physicochemical variation, residue mobility, and thermodynamic stability) indicates that this missense variant is not expected to disrupt MYO7A protein function with a negative predictive value of 95%. In summary, the available evidence is currently insufficient to determine the role of this variant in disease. Therefore, it has been classified as a Variant of Uncertain Significance.

GeneDx
Classification: Uncertain significance. Last evaluated: 2024-08-02. Review status: criteria provided, single submitter. Criteria: GeneDx Variant Classification Process June 2021. Collection method: clinical testing. Allele origin: germline.
Comment: In silico analysis indicates that this missense variant does not alter protein structure/function; Has not been previously published as pathogenic or benign to our knowledge

Laboratory for Molecular Medicine, Mass General Brigham Personalized Medicine
Classification: Likely benign. Last evaluated: 2011-11-01. Review status: criteria provided, single submitter. Criteria: LMM Criteria. Collection method: clinical testing. Allele origin: germline. Observed: 3 variant alleles.
Comment: Ala536Thr in exon 14 of MYO7A: This variant is not expected to have clinical sig nificance because it has been identified by our laboratory in one individual who also carried two pathogenic MYO7A variants. In addition, computational analyses (PolyPhen2, SIFT, AlignGVGD) do not suggest a high likelihood of impact to the protein primarily based upon a lack of conservation across species including mam mals. Of note, opossum, chicken, frog and zebrafish have a threonine (Thr) at th is position despite high nearby amino acid conservation.